The following is an entry in ClinVar:

ClinVar aggregate classification (germline): Conflicting classifications of pathogenicity. Review status: criteria provided, conflicting classifications (1 of 4 stars). 3 submissions from 3 submitters: Uncertain significance (1); Benign (1); Likely benign (1). Last evaluated 2026-06-17.

Conditions:
Polyps, multiple and recurrent inflammatory fibroid, gastrointestinal. Identifiers: MedGen C5193005, MONDO:0008285, OMIM 175510.
Hereditary cancer-predisposing syndrome. Also called: Tumor predisposition; Hereditary Cancer Syndrome; Hereditary neoplastic syndrome; Neoplastic Syndromes, Hereditary. Identifiers: Orphanet 140162, MedGen C0027672, MeSH D009386, MONDO:0015356.
Gastrointestinal stromal tumor. Also called: Gastrointestinal stroma tumor; Gastrointestinal stromal tumor, somatic. Identifiers: Orphanet 44890, MedGen C0238198, MeSH D046152, MONDO:0011719, OMIM 606764, HP:0100723.

Allele frequency attached by ClinVar (database versions not stated): ESP Exome Variant Server 0.00008.
gnomAD v4.1: 5 of 1,614,040 alleles (0.00031%); highest among the groups gnomAD compares: Non-Finnish European, 0.00042%; no homozygotes.

Submissions (3):

Myriad Genetics, Inc.
Classification: Benign for Polyps, multiple and recurrent inflammatory fibroid, gastrointestinal. Last evaluated: 2026-06-17. Review status: criteria provided, single submitter. Criteria: Myriad Autosomal Dominant, Autosomal Recessive and X-Linked Classification Criteria (2023). Collection method: clinical testing. Allele origin: unknown.
Comment: This variant is considered benign. This variant is a silent/synonymous amino acid change and it is not expected to impact splicing.

Ambry Genetics
Classification: Uncertain significance for Hereditary cancer-predisposing syndrome. Last evaluated: 2025-06-19. Review status: criteria provided, single submitter. Criteria: Ambry Variant Classification Scheme 2023. Collection method: clinical testing. Allele origin: germline.
Comment: The c.1599G>A variant (also known as p.V533V), located in coding exon 10 of the PDGFRA gene, results from a G to A substitution at nucleotide position 1599. This nucleotide substitution does not change the valine at codon 533. This nucleotide position is well conserved in available vertebrate species. In silico splice site analysis for this alteration is inconclusive. Based on the available evidence, the clinical significance of this variant remains unclear.

Labcorp Genetics (formerly Invitae), Labcorp
Classification: Likely benign for Gastrointestinal stromal tumor. Last evaluated: 2024-12-09. Review status: criteria provided, single submitter. Criteria: Invitae Variant Classification Sherloc (09022015). Collection method: clinical testing. Allele origin: germline.

NM_006206.6(PDGFRA):c.1599G>A (p.Val533=)

Gene: PDGFRA (platelet derived growth factor receptor alpha; plus strand). Cytogenetic location: 4q12.
Variant type: single nucleotide variant.
Coding change: c.1599G>A on transcript NM_006206.6 (MANE Select); coding-DNA position 1599, G replaced by A.
Protein change: p.Val533=; no amino-acid change (valine 533 retained).
Molecular consequence: synonymous variant.
Genome position (GRCh38, 1-based): chr4:54,274,571, G>A. VCF-style: chr4-54274571-G-A. GRCh37 (hg19) VCF-style: chr4-55140738-G-A.
Other names: c.1599G>A, p.Val533= (NM_001347827.2, NM_001347829.2); c.1674G>A, p.Val558= (NM_001347828.2); c.1638G>A, p.Val546= (NM_001347830.2); c.1599G>A (NM_006206.4).
Identifiers: ClinVar variation 1137440 (VCV001137440.11), dbSNP rs146832047, ClinGen allele CA96859470.